The following is an entry in ClinVar:

NM_147127.5(EVC2):c.2068C>T (p.Gln690Ter)

Gene: EVC2 (EvC ciliary complex subunit 2; minus strand). Cytogenetic location: 4p16.2.
Variant type: single nucleotide variant.
Coding change: c.2068C>T on transcript NM_147127.5 (MANE Select); coding-DNA position 2068, C replaced by T.
Protein change: p.Gln690Ter; replaces glutamine 690 with a stop codon.
Molecular consequence: nonsense.
Genome position (GRCh38, 1-based): chr4:5,622,970, G>A on the plus strand (C>T on the coding strand, the complement: EVC2 is on the minus strand). VCF-style: chr4-5622970-G-A. GRCh37 (hg19) VCF-style: chr4-5624697-G-A.
Other names: c.1828C>T, p.Gln610Ter (NM_001166136.2); short protein forms Q690*, Q610*.
Identifiers: ClinVar variation 1934227 (VCV001934227.6), dbSNP rs1715829691, ClinGen allele CA356145546.
Genomic context (GRCh38, chr4:5,622,970, plus strand): 5'-TCTGGTGCAGGTACTGGCCGGCATCCTCAACCGTTCGGAAGGCCTCGCCGACGGACGCCT[G>A]CTCCCTACGCTGCTCCCTGTGCTGGAGTTTCAGAAAAGAAAATTAAGTGGGGGTGGGGCT-3'

ClinVar aggregate classification (germline): Pathogenic. Review status: criteria provided, multiple submitters, no conflicts (2 of 4 stars). 2 submissions from 2 submitters: Pathogenic (2). Last evaluated 2024-05-08.

Conditions:
Ellis-van Creveld syndrome (EVC). Also called: MESOECTODERMAL DYSPLASIA; Chondroectodermal dysplasia. Identifiers: Orphanet 289, MedGen C0013903, MONDO:0009162, OMIM 225500.
Curry-Hall syndrome (WAD). Also called: WEYERS ACRODENTAL DYSOSTOSIS. Identifiers: Orphanet 952, MedGen C0457013, MONDO:0008673, OMIM 193530.

Allele frequency attached by ClinVar (database versions not stated): gnomAD exomes below 0.00001; TOPMed below 0.00001.

Submissions (2):

Myriad Genetics, Inc.
Classification: Pathogenic for Ellis-van Creveld syndrome. Last evaluated: 2024-05-08. Review status: criteria provided, single submitter. Criteria: Myriad Autosomal Dominant, Autosomal Recessive and X-Linked Classification Criteria (2023). Collection method: clinical testing. Allele origin: unknown.
Comment: NM_147127.4(EVC2):c.2068C>T(Q690*) is expected to be pathogenic in the context of EVC2-related Ellis-van Creveld syndrome. This variant is predicted to lead to an abnormal or absent protein product due to the creation of a premature termination codon in EVC2, a gene where loss-of-function variants are known to be pathogenic. Please note: this variant was assessed in the context of healthy population screening.

Labcorp Genetics (formerly Invitae), Labcorp
Classification: Pathogenic for Curry-Hall syndrome; Ellis-van Creveld syndrome. Last evaluated: 2023-04-12. Review status: criteria provided, single submitter. Criteria: Invitae Variant Classification Sherloc (09022015). Collection method: clinical testing. Allele origin: germline.
Comment: For these reasons, this variant has been classified as Pathogenic. ClinVar contains an entry for this variant (Variation ID: 1934227). This variant has not been reported in the literature in individuals affected with EVC2-related conditions. This variant is not present in population databases (gnomAD no frequency). This sequence change creates a premature translational stop signal (p.Gln690*) in the EVC2 gene. It is expected to result in an absent or disrupted protein product. Loss-of-function variants in EVC2 are known to be pathogenic (PMID: 17024374, 19810119, 19876929).

Literature cited by the submitters: PubMed 17024374 (cited by Labcorp Genetics (formerly Invitae), Labcorp); PubMed 19810119 (cited by Labcorp Genetics (formerly Invitae), Labcorp); PubMed 19876929 (cited by Labcorp Genetics (formerly Invitae), Labcorp).